The following is an entry in ClinVar:

NM_002691.4(POLD1):c.574C>T (p.Leu192=)

Gene: POLD1 (DNA polymerase delta 1, catalytic subunit; plus strand). Cytogenetic location: 19q13.33.
Variant type: single nucleotide variant.
Coding change: c.574C>T on transcript NM_002691.4 (MANE Select); coding-DNA position 574, C replaced by T.
Protein change: p.Leu192=; no amino-acid change (leucine 192 retained).
Molecular consequence: synonymous variant. On other transcripts: non-coding transcript variant (1).
Genome position (GRCh38, 1-based): chr19:50,402,109, C>T. VCF-style: chr19-50402109-C-T. GRCh37 (hg19) VCF-style: chr19-50905366-C-T.
Other names: c.574C>T, p.Leu192= (NM_001256849.1, NM_001308632.1).
Identifiers: ClinVar variation 239355 (VCV000239355.29), dbSNP rs374937343, ClinGen allele CA9595798.
Genomic context (GRCh38, chr19:50,402,109, plus strand): 5'-ATCAGCCGGGACAGTCGCGGGGGGAGGGAGCTGACTGGGCCGGCCGTGCTGGCTGTGGAA[C>T]TGTGCTCCCGAGAGAGTGAGTGCTCCCCCAGGATCAGCGGGTTGGAGGGTCCCCTCGGGA-3'
Protein context (NP_002682.2, residues 182-202): LTGPAVLAVE[Leu192=]CSRESMFGYH

ClinVar aggregate classification (germline): Likely benign. Review status: criteria provided, multiple submitters, no conflicts (2 of 4 stars). 7 submissions from 7 submitters: Likely benign (6). 1 of the submissions does not count toward it. Last evaluated 2026-01-27.

Conditions:
POLD1-related disorder. Also called: POLD1-related condition; POLD1-related disorders.
Hereditary cancer-predisposing syndrome. Also called: Tumor predisposition; Hereditary Cancer Syndrome; Neoplastic Syndromes, Hereditary; Hereditary neoplastic syndrome. Identifiers: Orphanet 140162, MedGen C0027672, MeSH D009386, MONDO:0015356.
POLD1-related polyposis and colorectal cancer syndrome (CRCS10). Also called: Colorectal cancer 10; COLORECTAL CANCER, SUSCEPTIBILITY TO, ON CHROMOSOME 19q; Colorectal cancer, susceptibility to, 10. Identifiers: Orphanet 220460, MedGen C2675481, MONDO:0012953, OMIM 612591.

Allele frequency attached by ClinVar (database versions not stated): ExAC 0.00005; gnomAD exomes 0.00007; ESP Exome Variant Server 0.00008; gnomAD 0.00011; TOPMed 0.00013.
gnomAD v4.1: 215 of 1,612,654 alleles (0.013%); highest among the groups gnomAD compares: Non-Finnish European, 0.018%; no homozygotes.

Submissions (7):

Labcorp Genetics (formerly Invitae), Labcorp
Classification: Likely benign for POLD1-related polyposis and colorectal cancer syndrome. Last evaluated: 2026-01-27. Review status: criteria provided, single submitter. Criteria: Invitae Variant Classification Sherloc (09022015). Collection method: clinical testing. Allele origin: germline.

CeGaT Center for Human Genetics Tuebingen
Classification: Likely benign. Last evaluated: 2026-01-01. Review status: criteria provided, single submitter. Criteria: CeGaT Center For Human Genetics Tuebingen Variant Classification Criteria Version 2. Collection method: clinical testing. Allele origin: germline. Affected: yes. Observed: 1 variant allele.
Comment: POLD1: BP4, BP7

Center for Genomic Medicine, Rigshospitalet, Copenhagen University Hospital
Classification: Likely benign. Last evaluated: 2025-03-04. Review status: criteria provided, single submitter. Criteria: ACMG Guidelines, 2015. Collection method: clinical testing. Allele origin: germline.

Laboratory of Genetics, Children's Clinical University Hospital Latvia
Classification: Likely benign. Last evaluated: 2025-02-16. Review status: criteria provided, single submitter. Criteria: ACMG Guidelines, 2015. Collection method: clinical testing. Allele origin: germline. Affected: yes.

GeneDx
Classification: Likely benign. Last evaluated: 2017-11-14. Review status: criteria provided, single submitter. Criteria: GeneDx Variant Classification (06012015). Collection method: clinical testing. Allele origin: germline. Affected: yes.
Comment: This variant is considered likely benign or benign based on one or more of the following criteria: it is a conservative change, it occurs at a poorly conserved position in the protein, it is predicted to be benign by multiple in silico algorithms, and/or has population frequency not consistent with disease.

Ambry Genetics
Classification: Likely benign for Hereditary cancer-predisposing syndrome. Last evaluated: 2015-06-29. Review status: criteria provided, single submitter. Criteria: Ambry Variant Classification Scheme 2023. Collection method: clinical testing. Allele origin: germline.

PreventionGenetics, part of Exact Sciences
Classification: Likely benign for POLD1-related condition. Last evaluated: 2019-10-17. Review status: no assertion criteria provided. Collection method: clinical testing. Allele origin: germline. Not counted in ClinVar's aggregate classification.
Comment: This variant is classified as likely benign based on ACMG/AMP sequence variant interpretation guidelines (Richards et al. 2015 PMID: 25741868, with internal and published modifications).